The following is an entry in ClinVar:

ClinVar aggregate classification (germline): Likely benign. Review status: criteria provided, multiple submitters, no conflicts (2 of 4 stars). 2 submissions from 2 submitters: Likely benign (2). Last evaluated 2025-10-31.

Conditions:
Renal cell carcinoma. Identifiers: Orphanet 217071, MedGen C0007134, MeSH D002292, MONDO:0005086, HP:0005584.
Papillary renal cell carcinoma type 1 (RCCP1). Also called: RENAL CELL CARCINOMA, PAPILLARY, 1, SOMATIC; Renal adenocarcinoma; Renal cell carcinoma 1; Renal cell carcinoma, somatic. Identifiers: Orphanet 47044, MedGen C1336839, OMIM 605074, HP:0011797.

Allele frequency attached by ClinVar (database versions not stated): gnomAD exomes below 0.00001.
gnomAD v4.1: 1 of 1,580,262 alleles (0.000063%); highest among the groups gnomAD compares: South Asian, 0.0011%; no homozygotes.

Submissions (2):

Labcorp Genetics (formerly Invitae), Labcorp
Classification: Likely benign for Renal cell carcinoma. Last evaluated: 2025-10-31. Review status: criteria provided, single submitter. Criteria: Invitae Variant Classification Sherloc (09022015). Collection method: clinical testing. Allele origin: germline.

Myriad Genetics, Inc.
Classification: Likely benign for Papillary renal cell carcinoma type 1. Last evaluated: 2024-11-13. Review status: criteria provided, single submitter. Criteria: Myriad Autosomal Dominant, Autosomal Recessive and X-Linked Classification Criteria (2023). Collection method: clinical testing. Allele origin: unknown.
Comment: This variant is considered likely benign. This variant is intronic and is not expected to impact mRNA splicing.

NM_000245.4(MET):c.3632+7A>C

Gene: MET (MET proto-oncogene, receptor tyrosine kinase; plus strand). Cytogenetic location: 7q31.2.
Variant type: single nucleotide variant.
Coding change: c.3632+7A>C on transcript NM_000245.4 (MANE Select); 7 bases into the intron after coding-DNA position 3632, A replaced by C.
Molecular consequence: intron variant.
Genome position (GRCh38, 1-based): chr7:116,782,104, A>C. VCF-style: chr7-116782104-A-C. GRCh37 (hg19) VCF-style: chr7-116422158-A-C.
Other names: c.3686+7A>C (NM_001127500.3); c.2342+7A>C (NM_001324402.2).
Identifiers: ClinVar variation 1618532 (VCV001618532.9), dbSNP rs1795175584, ClinGen allele CA2573141534.